The following is an entry in ClinVar:

NM_001110556.2(FLNA):c.623-3C>G

Gene: FLNA (filamin A; minus strand). Cytogenetic location: Xq28.
Variant type: single nucleotide variant.
Coding change: c.623-3C>G on transcript NM_001110556.2 (MANE Select); 3 bases into the intron before coding-DNA position 623, C replaced by G.
Molecular consequence: intron variant.
Genome position (GRCh38, 1-based): chrX:154,367,741, G>C on the plus strand (C>G on the coding strand, the complement: FLNA is on the minus strand). VCF-style: chrX-154367741-G-C. GRCh37 (hg19) VCF-style: chrX-153596109-G-C.
Other names: IVS3AS, C-G, -3; c.623-3C>G (NM_001456.4).
Identifiers: ClinVar variation 11749 (VCV000011749.6), dbSNP rs398123622, ClinGen allele CA221727.

ClinVar aggregate classification (germline): Uncertain significance. Review status: criteria provided, multiple submitters, no conflicts (2 of 4 stars). 3 submissions from 3 submitters: Uncertain significance (2). 1 of the submissions does not count toward it. Last evaluated 2025-10-15.

Conditions:
Heterotopia, periventricular, X-linked dominant (PVNH1). Also called: PERIVENTRICULAR NODULAR HETEROTOPIA 4; HETEROTOPIA, PERIVENTRICULAR, 1; X-linked periventricular heterotopia; PERIVENTRICULAR NODULAR HETEROTOPIA 1. Identifiers: Orphanet 2149, Orphanet 82004, MedGen C1848213, MONDO:0010233, OMIM 300049.

Submissions (3):

Clinical Genomics Laboratory, Washington University in St. Louis
Classification: Uncertain significance for Heterotopia, periventricular, X-linked dominant. Last evaluated: 2025-10-15. Review status: criteria provided, single submitter. Criteria: ACMG Guidelines, 2015. Collection method: clinical testing. Allele origin: germline.
Comment: The FLNA c.623-3C>G variant has been reported in one individual with periventricular heterotopia (Fox JW et al., PMID: 9883725). This variant is absent from the general population (gnomAD v.2.1.1), indicating it is not a common variant. Computational predictors indicate that this variant would alter splicing, evidence that correlates to an impact of this variant on FLNA function. Due to limited information, and based on ACMG/AMP guidelines for variant interpretation (Richards S et al., PMID: 25741868), the clinical significance of this variant is uncertain at this time.

Eurofins Ntd Llc (ga)
Classification: Uncertain significance. Last evaluated: 2017-01-04. Review status: criteria provided, single submitter. Criteria: EGL Classification Definitions 2015. Collection method: clinical testing. Allele origin: germline. Observed: 2 variant alleles, 2 heterozygotes.

OMIM
Classification: Pathogenic for HETEROTOPIA, PERIVENTRICULAR NODULAR, 1. Last evaluated: 1998-12-01. Review status: no assertion criteria provided. Collection method: literature only. Allele origin: germline. Not counted in ClinVar's aggregate classification.

Literature cited by the submitters: PubMed 9883725 (cited by Eurofins Ntd Llc (ga) and OMIM); PubMed 3658675 (cited by OMIM).